The following is an entry in ClinVar:

ClinVar aggregate classification (germline): Pathogenic/Likely pathogenic. Review status: criteria provided, multiple submitters, no conflicts (2 of 4 stars). 3 submissions from 3 submitters: Pathogenic (2); Likely pathogenic (1). Last evaluated 2026-04-14.

Conditions:
Zellweger spectrum disorders (ZS). Also called: Zellweger Spectrum Disorder; Zellweger Spectrum; Zellweger syndrome; Zellweger Spectrum Disorder (ZSD). Identifiers: Orphanet 912, MedGen C0043459, MONDO:0019609.
Peroxisome biogenesis disorder. Identifiers: Orphanet 79189, MedGen C1832200, MONDO:0019234. Disease mechanism: loss of function.

Allele frequency attached by ClinVar (database versions not stated): gnomAD exomes below 0.00001.
gnomAD v4.1: 1 of 1,613,740 alleles (0.000062%); highest among the groups gnomAD compares: African/African-American, 0.0013%; no homozygotes.

Submissions (3):

Myriad Genetics, Inc.
Classification: Pathogenic for Peroxisome biogenesis disorder. Last evaluated: 2026-04-14. Review status: criteria provided, single submitter. Criteria: Myriad Autosomal Dominant, Autosomal Recessive and X-Linked Classification Criteria (2023). Collection method: clinical testing. Allele origin: unknown.
Comment: NM_000466.2(PEX1):c.2176C>T(Q726*) is a nonsense variant classified as pathogenic in the context of peroxisome biogenesis disorder type 1. Q726* has been observed in cases with relevant disease (PMID: 30561787). Relevant functional assessments of this variant are not available in the literature. Q726* has not been observed in referenced population frequency databases. In summary, NM_000466.2(PEX1):c.2176C>T(Q726*) is a nonsense variant that has been observed more frequently in cases with the relevant disease than in healthy populations. Please note: this variant was assessed in the context of healthy population screening.

Labcorp Genetics (formerly Invitae), Labcorp
Classification: Pathogenic for Zellweger spectrum disorders. Last evaluated: 2023-06-10. Review status: criteria provided, single submitter. Criteria: Invitae Variant Classification Sherloc (09022015). Collection method: clinical testing. Allele origin: germline.
Comment: For these reasons, this variant has been classified as Pathogenic. ClinVar contains an entry for this variant (Variation ID: 191336). This variant has not been reported in the literature in individuals affected with PEX1-related conditions. This variant is not present in population databases (gnomAD no frequency). This sequence change creates a premature translational stop signal (p.Gln726*) in the PEX1 gene. It is expected to result in an absent or disrupted protein product. Loss-of-function variants in PEX1 are known to be pathogenic (PMID: 9398847, 16086329, 16141001, 21031596, 26387595, 31831025).

Genomic Medicine Center of Excellence, King Faisal Specialist Hospital and Research Centre
Classification: Likely pathogenic. Review status: criteria provided, single submitter. Criteria: ACMG Guidelines, 2015. Collection method: research. Allele origin: germline. Affected: yes.

Literature cited by the submitters: PubMed 30561787 (cited by Myriad Genetics, Inc.); PubMed 9398847 (cited by Labcorp Genetics (formerly Invitae), Labcorp); PubMed 16086329 (cited by Labcorp Genetics (formerly Invitae), Labcorp); PubMed 16141001 (cited by Labcorp Genetics (formerly Invitae), Labcorp); PubMed 21031596 (cited by Labcorp Genetics (formerly Invitae), Labcorp); PubMed 26387595 (cited by Labcorp Genetics (formerly Invitae), Labcorp); PubMed 31831025 (cited by Labcorp Genetics (formerly Invitae), Labcorp).

NM_000466.3(PEX1):c.2176C>T (p.Gln726Ter)

Gene: PEX1 (peroxisomal biogenesis factor 1; minus strand). Cytogenetic location: 7q21.2.
Variant type: single nucleotide variant.
Coding change: c.2176C>T on transcript NM_000466.3 (MANE Select); coding-DNA position 2176, C replaced by T.
Protein change: p.Gln726Ter; replaces glutamine 726 with a stop codon.
Molecular consequence: nonsense.
Genome position (GRCh38, 1-based): chr7:92,503,091, G>A on the plus strand (C>T on the coding strand, the complement: PEX1 is on the minus strand). VCF-style: chr7-92503091-G-A. GRCh37 (hg19) VCF-style: chr7-92132405-G-A.
Other names: c.2005C>T, p.Gln669Ter (NM_001282677.2); c.1552C>T, p.Gln518Ter (NM_001282678.2); short protein forms Q726*, Q518*, Q669*.
Identifiers: ClinVar variation 191336 (VCV000191336.7), dbSNP rs786205655, ClinGen allele CA236455.